The following is an entry in ClinVar:

ClinVar aggregate classification (germline): Uncertain significance (1 of 4 stars; one submission).

Submission:

GeneDx
Classification: Uncertain significance. Last evaluated: 2026-09-14. Review status: criteria provided, single submitter. Criteria: GeneDx Variant Classification Process June 2021. Collection method: clinical testing. Allele origin: germline.
Comment: Not observed at significant frequency in large population cohorts (gnomAD); In-frame deletion of 1 amino acid(s) in a non-repeat region; In silico analysis supports a deleterious effect on protein structure/function; Has not been previously published as pathogenic or benign to our knowledge

NM_130837.3(OPA1):c.330_332del (p.Gly112del)

Gene: OPA1 (OPA1 mitochondrial dynamin like GTPase; plus strand). Cytogenetic location: 3q29.
Variant type: Deletion.
Coding change: c.330_332del on transcript NM_130837.3 (MANE Select); coding-DNA positions 330 to 332, 3 bases deleted (GGG; older notation c.330_332delGGG).
Protein change: p.Gly112del; deletes glycine 112.
Molecular consequence: inframe deletion. On other transcripts: 5 prime UTR variant (2), inframe indel (1).
Genome position (GRCh38, 1-based): chr3:193,615,020-193,615,022, GGG deleted; deleting any 3 consecutive bases within chr3:193,615,018-193,615,022 gives the same sequence; the c. name uses the placement nearest the transcript's 3' end. VCF-style (leftmost placement, unchanged base first): chr3-193615017-TGGG-T. GRCh37 (hg19) VCF-style: chr3-193332806-TGGG-T.
Other names: c.-43_-41del (NM_001354663.2, NM_001354664.2); c.330_332delGGG, p.Gly112del (NM_015560.2); c.330_332del, p.Gly112del (NM_015560.3, NM_130831.3, NM_130832.3 and 4 more transcripts); short protein forms G112del.
Identifiers: ClinVar variation 4281709 (VCV004281709.2).